The following is an entry in ClinVar:

ClinVar aggregate classification (germline): Likely benign. Review status: criteria provided, single submitter (1 of 4 stars). 2 submissions from 2 submitters: Likely benign (1). 1 of the submissions does not count toward it. Last evaluated 2017-12-04.

Conditions:
POU4F1-related disorder. Also called: POU4F1-related condition.

Allele frequency attached by ClinVar (database versions not stated): gnomAD exomes 0.00002 and 0.00005; ESP Exome Variant Server 0.00008; ExAC 0.00019; gnomAD 0.00021; TOPMed 0.00023; 1000 Genomes Project 30x 0.00031.
gnomAD v4.1: 61 of 1,513,832 alleles (0.004%); highest among the groups gnomAD compares: African/African-American, 0.068%; no homozygotes.

Submissions (2):

Labcorp Genetics (formerly Invitae), Labcorp
Classification: Likely benign. Last evaluated: 2017-12-04. Review status: criteria provided, single submitter. Criteria: Invitae Variant Classification Sherloc (09022015). Collection method: clinical testing. Allele origin: germline.

PreventionGenetics, part of Exact Sciences
Classification: Likely benign for POU4F1-related condition. Last evaluated: 2022-10-27. Review status: no assertion criteria provided. Collection method: clinical testing. Allele origin: germline. Not counted in ClinVar's aggregate classification.
Comment: This variant is classified as likely benign based on ACMG/AMP sequence variant interpretation guidelines (Richards et al. 2015 PMID: 25741868, with internal and published modifications).

NM_006237.4(POU4F1):c.123+7G>T

Genes: OBI1-AS1 (OBI1 antisense RNA 1; plus strand), POU4F1 (POU class 4 homeobox 1; minus strand). Cytogenetic location: 13q31.1.
Variant type: single nucleotide variant.
Coding change: c.123+7G>T on transcript NM_006237.4 (MANE Select); 7 bases into the intron after coding-DNA position 123, G replaced by T.
Molecular consequence: intron variant.
Genome position (GRCh38, 1-based): chr13:78,603,197, C>A on the plus strand (G>T on the coding strand, the complement: POU4F1 is on the minus strand). VCF-style: chr13-78603197-C-A. GRCh37 (hg19) VCF-style: chr13-79177332-C-A.
Identifiers: ClinVar variation 729185 (VCV000729185.5), dbSNP rs377522225, ClinGen allele CA7012645.